The following is an entry in ClinVar:

NM_001369.3(DNAH5):c.6165T>A (p.Cys2055Ter)

Gene: DNAH5 (dynein axonemal heavy chain 5; minus strand). Cytogenetic location: 5p15.2.
Variant type: single nucleotide variant.
Coding change: c.6165T>A on transcript NM_001369.3 (MANE Select); coding-DNA position 6165, T replaced by A.
Protein change: p.Cys2055Ter; replaces cysteine 2055 with a stop codon.
Molecular consequence: nonsense.
Genome position (GRCh38, 1-based): chr5:13,830,110, A>T on the plus strand (T>A on the coding strand, the complement: DNAH5 is on the minus strand). VCF-style: chr5-13830110-A-T. GRCh37 (hg19) VCF-style: chr5-13830219-A-T.
Other names: short protein forms C2055*.
Identifiers: ClinVar variation 2698136 (VCV002698136.3), dbSNP rs2546878696, ClinGen allele CA359201136.

ClinVar aggregate classification (germline): Pathogenic (1 of 4 stars; one submission).

Conditions:
Primary ciliary dyskinesia. Also called: Ciliary dyskinesia. Identifiers: Orphanet 244, MedGen C0008780, MONDO:0016575, HP:0012265.

Submission:

Labcorp Genetics (formerly Invitae), Labcorp
Classification: Pathogenic for Primary ciliary dyskinesia. Last evaluated: 2026-01-08. Review status: criteria provided, single submitter. Criteria: Invitae Variant Classification Sherloc (09022015). Collection method: clinical testing. Allele origin: germline.
Comment: This sequence change creates a premature translational stop signal (p.Cys2055*) in the DNAH5 gene. It is expected to result in an absent or disrupted protein product. Loss-of-function variants in DNAH5 are known to be pathogenic (PMID: 11788826, 16627867). This variant is not present in population databases (gnomAD no frequency). This variant has not been reported in the literature in individuals affected with DNAH5-related conditions. ClinVar contains an entry for this variant (Variation ID: 2698136). For these reasons, this variant has been classified as Pathogenic.

Literature cited by the submitters: PubMed 11788826; PubMed 16627867.